The following is an entry in ClinVar:

ClinVar aggregate classification (germline): Conflicting classifications of pathogenicity. Review status: criteria provided, conflicting classifications (1 of 4 stars). 5 submissions from 5 submitters: Uncertain significance (2); Likely benign (2). 1 of the submissions does not count toward it. Last evaluated 2024-12-05.

Conditions:
Nephrotic syndrome, type 3 (NPHS3). Also called: NEPHROTIC SYNDROME, EARLY-ONSET, TYPE 3. Identifiers: Orphanet 656, MedGen C1853124, MONDO:0012546, OMIM 610725.
Inborn genetic diseases. Identifiers: MedGen C0950123, MeSH D030342.
PLCE1-related disorder. Also called: PLCE1-related condition.

Allele frequency attached by ClinVar (database versions not stated): ExAC 0.00002; gnomAD 0.00005; TOPMed 0.00007; 1000 Genomes Project 30x 0.00016; 1000 Genomes Project 0.00020.
gnomAD v4.1: 60 of 1,613,880 alleles (0.0037%); highest among the groups gnomAD compares: East Asian, 0.036%; no homozygotes.

Submissions (5):

Ambry Genetics
Classification: Likely benign for Inborn genetic diseases. Last evaluated: 2024-12-05. Review status: criteria provided, single submitter. Criteria: Ambry Variant Classification Scheme 2023. Collection method: clinical testing. Allele origin: germline.

Blueprint Genetics
Classification: Likely benign. Last evaluated: 2024-10-09. Review status: criteria provided, single submitter. Criteria: ACMG Guidelines, 2015. Collection method: clinical testing. Allele origin: germline.

Fulgent Genetics
Classification: Uncertain significance for Nephrotic syndrome, type 3. Last evaluated: 2024-03-04. Review status: criteria provided, single submitter. Criteria: ACMG Guidelines, 2015. Collection method: clinical testing. Allele origin: germline.

Labcorp Genetics (formerly Invitae), Labcorp
Classification: Uncertain significance. Last evaluated: 2021-12-18. Review status: criteria provided, single submitter. Criteria: Invitae Variant Classification Sherloc (09022015). Collection method: clinical testing. Allele origin: germline.
Comment: This sequence change replaces alanine, which is neutral and non-polar, with serine, which is neutral and polar, at codon 293 of the PLCE1 protein (p.Ala293Ser). This variant is present in population databases (rs192084195, gnomAD 0.04%). This variant has not been reported in the literature in individuals affected with PLCE1-related conditions. Algorithms developed to predict the effect of missense changes on protein structure and function are either unavailable or do not agree on the potential impact of this missense change (SIFT: "Deleterious"; PolyPhen-2: "Benign"; Align-GVGD: "Class C0"). In summary, the available evidence is currently insufficient to determine the role of this variant in disease. Therefore, it has been classified as a Variant of Uncertain Significance.

PreventionGenetics, part of Exact Sciences
Classification: Uncertain significance for PLCE1-related condition. Last evaluated: 2024-01-18. Review status: no assertion criteria provided. Collection method: clinical testing. Allele origin: germline. Not counted in ClinVar's aggregate classification.
Comment: The PLCE1 c.877G>T variant is predicted to result in the amino acid substitution p.Ala293Ser. To our knowledge, this variant has not been reported in the literature. This variant is reported in 0.039% of alleles in individuals of East Asian descent in gnomAD. At this time, the clinical significance of this variant is uncertain due to the absence of conclusive functional and genetic evidence.

Literature cited by the submitters: PubMed 36413997 (cited by Ambry Genetics).

NM_016341.4(PLCE1):c.877G>T (p.Ala293Ser)

Gene: PLCE1 (phospholipase C epsilon 1; plus strand). Cytogenetic location: 10q23.33.
Variant type: single nucleotide variant.
Coding change: c.877G>T on transcript NM_016341.4 (MANE Select); coding-DNA position 877, G replaced by T.
Protein change: p.Ala293Ser; replaces alanine 293 with serine.
Molecular consequence: missense variant.
Genome position (GRCh38, 1-based): chr10:94,031,923, G>T. VCF-style: chr10-94031923-G-T. GRCh37 (hg19) VCF-style: chr10-95791680-G-T.
Other names: c.877G>T, p.Ala293Ser (NM_001288989.2); c.877G>T (NM_016341.3); short protein forms A293S.
Identifiers: ClinVar variation 2057248 (VCV002057248.7), dbSNP rs192084195, ClinGen allele CA5612191.
Genomic context (GRCh38, chr10:94,031,923, plus strand): 5'-GTTGACATGGTATATTCAGGTGATAGCTTTTGTAGGAAAGACTTTACTGACAGTCAAGCT[G>T]CCAAGACCTTTTTGAGCCATTTTGAGGACTTCCCTGATAATTGTGATGATGTAGAAGAAG-3'
Protein context (NP_057425.3, residues 283-303): CRKDFTDSQA[Ala293Ser]KTFLSHFEDF